The following is an entry in ClinVar:

ClinVar aggregate classification (germline): Likely benign (1 of 4 stars; one submission).

Conditions:
Familial cancer of breast. Also called: Hereditary breast cancer; BREAST CANCER, FAMILIAL; hereditary breast carcinoma. Identifiers: Orphanet 227535, MedGen C0346153, MONDO:0016419, OMIM 114480. Disease mechanism: loss of function.

Submission:

Myriad Genetics, Inc.
Classification: Likely benign for Familial cancer of breast. Last evaluated: 2024-10-03. Review status: criteria provided, single submitter. Criteria: Myriad Autosomal Dominant, Autosomal Recessive and X-Linked Classification Criteria (2023). Collection method: clinical testing. Allele origin: unknown.
Comment: This variant is considered likely benign. This variant is intronic and is not expected to impact mRNA splicing.

NM_007194.4(CHEK2):c.908+8G>C

Gene: CHEK2 (checkpoint kinase 2; minus strand). Cytogenetic location: 22q12.1.
Variant type: single nucleotide variant.
Coding change: c.908+8G>C on transcript NM_007194.4 (MANE Select); 8 bases into the intron after coding-DNA position 908, G replaced by C.
Molecular consequence: intron variant.
Genome position (GRCh38, 1-based): chr22:28,703,497, C>G on the plus strand (G>C on the coding strand, the complement: CHEK2 is on the minus strand). VCF-style: chr22-28703497-C-G. GRCh37 (hg19) VCF-style: chr22-29099485-C-G.
Other names: c.245+8G>C (NM_001437942.1, NM_001257387.3); c.707+8G>C (NM_001349956.3); c.908+8G>C (NM_145862.3); c.1001+8G>C (NM_001438295.1, NM_001438293.1); c.1037+8G>C (NM_001438294.1, NM_001005735.3).
Identifiers: ClinVar variation 3772786 (VCV003772786.1).
Genomic context (GRCh38, chr22:28,703,497, plus strand): 5'-TAGATTCTTTGGTGGCTTTATAAAGCATTTGAATGGAAACAGAAATTTTTAAAAAGTTTA[C>G]TACTTACAATTCCAAAACAATATAATAATCTTCTGCATCAAAAAAGTTTTTAATCTTGAT-3'